The following is an entry in ClinVar:

ClinVar aggregate classification (germline): Uncertain significance (1 of 4 stars; one submission).

Conditions:
LAMA2-related muscular dystrophy (LAMA2-RD). Also called: Laminin alpha 2-related dystrophy. Identifiers: MedGen C5679788, MONDO:0100228.

gnomAD v4.1: 2 of 1,556,162 alleles (0.00013%); highest among the groups gnomAD compares: Non-Finnish European, 0.00018%; no homozygotes.

Submission:

Labcorp Genetics (formerly Invitae), Labcorp
Classification: Uncertain significance for LAMA2-related muscular dystrophy. Last evaluated: 2021-09-17. Review status: criteria provided, single submitter. Criteria: Invitae Variant Classification Sherloc (09022015). Collection method: clinical testing. Allele origin: germline.
Comment: This sequence change replaces isoleucine with threonine at codon 1853 of the LAMA2 protein (p.Ile1853Thr). The isoleucine residue is weakly conserved and there is a moderate physicochemical difference between isoleucine and threonine. This variant is not present in population databases (ExAC no frequency). This variant has not been reported in the literature in individuals with LAMA2-related conditions. Advanced modeling of protein sequence and biophysical properties (such as structural, functional, and spatial information, amino acid conservation, physicochemical variation, residue mobility, and thermodynamic stability) performed at Invitae indicates that this missense variant is not expected to disrupt LAMA2 protein function. In summary, the available evidence is currently insufficient to determine the role of this variant in disease. Therefore, it has been classified as a Variant of Uncertain Significance.

NM_000426.4(LAMA2):c.5558T>C (p.Ile1853Thr)

Gene: LAMA2 (laminin subunit alpha 2; plus strand). Cytogenetic location: 6q22.33.
Variant type: single nucleotide variant.
Coding change: c.5558T>C on transcript NM_000426.4 (MANE Select); coding-DNA position 5558, T replaced by C.
Protein change: p.Ile1853Thr; replaces isoleucine 1853 with threonine.
Molecular consequence: missense variant.
Genome position (GRCh38, 1-based): chr6:129,401,336, T>C. VCF-style: chr6-129401336-T-C. GRCh37 (hg19) VCF-style: chr6-129722481-T-C.
Other names: c.5558T>C, p.Ile1853Thr (NM_001079823.2); short protein forms I1853T.
Identifiers: ClinVar variation 1909292 (VCV001909292.2), dbSNP rs141911213, ClinGen allele CA365615538.